The following is an entry in ClinVar:

NM_001130438.3(SPTAN1):c.1880G>A (p.Arg627Gln)

Gene: SPTAN1 (spectrin alpha, non-erythrocytic 1; plus strand). Cytogenetic location: 9q34.11.
Variant type: single nucleotide variant.
Coding change: c.1880G>A on transcript NM_001130438.3 (MANE Select); coding-DNA position 1880, G replaced by A.
Protein change: p.Arg627Gln; replaces arginine 627 with glutamine.
Molecular consequence: missense variant.
Genome position (GRCh38, 1-based): chr9:128,583,150, G>A. VCF-style: chr9-128583150-G-A. GRCh37 (hg19) VCF-style: chr9-131345429-G-A.
Other names: c.1880G>A, p.Arg627Gln (NM_001195532.2, NM_001363759.2, NM_001363765.2 and 10 more transcripts); c.1916G>A, p.Arg639Gln (NM_001375312.2, NM_001375318.1, NM_001438440.1); short protein forms R639Q, R627Q.
Identifiers: ClinVar variation 4705821 (VCV004705821.1).

ClinVar aggregate classification (germline): Uncertain significance (1 of 4 stars; one submission).

Conditions:
Early-infantile DEE. Also called: Early infantile epileptic encephalopathy; Ohtahara syndrome; Early infantile epileptic encephalopathy with suppression bursts. Identifiers: Orphanet 1934, MedGen C0393706, MONDO:0800491.

gnomAD v4.1: 2 of 1,614,016 alleles (0.00012%); highest among the groups gnomAD compares: African/African-American, 0.0013%; no homozygotes.

Submission:

Labcorp Genetics (formerly Invitae), Labcorp
Classification: Uncertain significance for Early-infantile DEE. Last evaluated: 2025-04-07. Review status: criteria provided, single submitter. Criteria: Invitae Variant Classification Sherloc (09022015). Collection method: clinical testing. Allele origin: germline.
Comment: This sequence change replaces arginine, which is basic and polar, with glutamine, which is neutral and polar, at codon 627 of the SPTAN1 protein (p.Arg627Gln). This variant is present in population databases (no rsID available, gnomAD 0.007%). This variant has not been reported in the literature in individuals affected with SPTAN1-related conditions. Invitae Evidence Modeling of protein sequence and biophysical properties (such as structural, functional, and spatial information, amino acid conservation, physicochemical variation, residue mobility, and thermodynamic stability) has been performed for this missense variant. However, the output from this modeling did not meet the statistical confidence thresholds required to predict the impact of this variant on SPTAN1 protein function. In summary, the available evidence is currently insufficient to determine the role of this variant in disease. Therefore, it has been classified as a Variant of Uncertain Significance.